The following is an entry in ClinVar:

ClinVar aggregate classification (germline): Likely benign. Review status: criteria provided, single submitter (1 of 4 stars). 2 submissions from 2 submitters: Likely benign (1). 1 of the submissions does not count toward it. Last evaluated 2025-03-17.

Conditions:
OTOGL-related disorder. Also called: OTOGL-related condition.

Allele frequency attached by ClinVar (database versions not stated): ESP Exome Variant Server 0.00025; gnomAD 0.00014; ExAC 0.00006.
gnomAD v4.1: 336 of 1,607,864 alleles (0.021%); highest among the groups gnomAD compares: Non-Finnish European, 0.026%; no homozygotes.

Submissions (2):

Labcorp Genetics (formerly Invitae), Labcorp
Classification: Likely benign. Last evaluated: 2025-03-17. Review status: criteria provided, single submitter. Criteria: Invitae Variant Classification Sherloc (09022015). Collection method: clinical testing. Allele origin: germline.

PreventionGenetics, part of Exact Sciences
Classification: Likely benign for OTOGL-related condition. Last evaluated: 2019-08-30. Review status: no assertion criteria provided. Collection method: clinical testing. Allele origin: germline. Not counted in ClinVar's aggregate classification.
Comment: This variant is classified as likely benign based on ACMG/AMP sequence variant interpretation guidelines (Richards et al. 2015 PMID: 25741868, with internal and published modifications).

NM_001378609.3(OTOGL):c.4722C>T (p.Ile1574=)

Gene: OTOGL (otogelin like; plus strand). Cytogenetic location: 12q21.31.
Variant type: single nucleotide variant.
Coding change: c.4722C>T on transcript NM_001378609.3 (MANE Select); coding-DNA position 4722, C replaced by T.
Protein change: p.Ile1574=; no amino-acid change (isoleucine 1574 retained).
Molecular consequence: synonymous variant.
Genome position (GRCh38, 1-based): chr12:80,336,534, C>T. VCF-style: chr12-80336534-C-T. GRCh37 (hg19) VCF-style: chr12-80730314-C-T.
Other names: c.4695C>T (NM_173591.3); c.4587C>T, p.Ile1529= (NM_001368062.3); c.4722C>T, p.Ile1574= (NM_001378610.3, NM_173591.7).
Identifiers: ClinVar variation 2899420 (VCV002899420.5), dbSNP rs368045051, ClinGen allele CA6701479.